The following is an entry in ClinVar:

NM_001283009.2(RTEL1):c.2801_2804del (p.Cys934fs)

Genes: RTEL1 (regulator of telomere elongation helicase 1; plus strand), RTEL1-TNFRSF6B (RTEL1-TNFRSF6B readthrough (NMD candidate); plus strand). Cytogenetic location: 20q13.33.
Variant type: Deletion.
Coding change: c.2801_2804del on transcript NM_001283009.2 (MANE Select); coding-DNA positions 2801 to 2804, 4 bases deleted (GTCT; older notation c.2801_2804delGTCT).
Protein change: p.Cys934fs; shifts the reading frame from cysteine 934.
Molecular consequence: frameshift variant. On other transcripts: non-coding transcript variant (1).
Genome position (GRCh38, 1-based): chr20:63,692,953-63,692,956, GTCT deleted; deleting any 4 consecutive bases within chr20:63,692,951-63,692,956 gives the same sequence; the c. name uses the placement nearest the transcript's 3' end. VCF-style (leftmost placement, unchanged base first): chr20-63692950-CCTGT-C. GRCh37 (hg19) VCF-style: chr20-62324303-CCTGT-C.
Other names: c.2132_2135del, p.Cys711fs (NM_001283010.1); c.2801_2804del, p.Cys934fs (NM_016434.4); c.2873_2876del, p.Cys958fs (NM_032957.5); short protein forms C711fs, C934fs, C958fs.
Identifiers: ClinVar variation 4992244 (VCV004992244.1).

ClinVar aggregate classification (germline): Likely pathogenic (1 of 4 stars; one submission).

Conditions:
RTEL1-related disorder. Also called: RTEL1-related disorders; RTEL1-related condition.

Submission:

PreventionGenetics, part of Exact Sciences
Classification: Likely pathogenic for RTEL1-related condition. Last evaluated: 2026-03-12. Review status: criteria provided, single submitter. Criteria: ACMG Guidelines, 2015. Collection method: clinical testing. Allele origin: germline.
Comment: The RTEL1 c.2873_2876delGTCT variant is predicted to result in a frameshift and premature protein termination (p.Cys958Serfs*37). To our knowledge, this variant has not been reported in the literature. This variant is reported in 0.0029% of alleles in individuals of Latino descent in gnomAD. Frameshift variants in RTEL1 are expected to be pathogenic. This variant is interpreted as likely pathogenic.